The following is an entry in ClinVar:

NM_001184.4(ATR):c.1708T>C (p.Tyr570His)

Gene: ATR (ATR checkpoint kinase; minus strand). Cytogenetic location: 3q23.
Variant type: single nucleotide variant.
Coding change: c.1708T>C on transcript NM_001184.4 (MANE Select); coding-DNA position 1708, T replaced by C.
Protein change: p.Tyr570His; replaces tyrosine 570 with histidine.
Molecular consequence: missense variant.
Genome position (GRCh38, 1-based): chr3:142,559,275, A>G on the plus strand (T>C on the coding strand, the complement: ATR is on the minus strand). VCF-style: chr3-142559275-A-G. GRCh37 (hg19) VCF-style: chr3-142278117-A-G.
Other names: c.1516T>C, p.Tyr506His (NM_001354579.2); short protein forms Y570H, Y506H.
Identifiers: ClinVar variation 1778501 (VCV001778501.2), dbSNP rs2473411248, ClinGen allele CA354821819.
Genomic context (GRCh38, chr3:142,559,275, plus strand): 5'-AAAGGTTATTCTGATCTGTTGCTAATTTGTACTCACCTTGCATATAAATCAAAGCATCAT[A>G]AATTTTCACCACCTTATCAATGGTTGCCTCCAGGTCCAGTTTCTGAACAGATTCTAACAA-3'
Protein context (NP_001175.2, residues 560-580): EATIDKVVKI[Tyr570His]DALIYMQVNS

ClinVar aggregate classification (germline): Uncertain significance (1 of 4 stars; one submission).

Conditions:
Inborn genetic diseases. Identifiers: MedGen C0950123, MeSH D030342.

Submission:

Ambry Genetics
Classification: Uncertain significance for Inborn genetic diseases. Last evaluated: 2021-08-27. Review status: criteria provided, single submitter. Criteria: Ambry Variant Classification Scheme 2023. Collection method: clinical testing. Allele origin: germline.
Comment: The p.Y570H variant (also known as c.1708T>C), located in coding exon 7 of the ATR gene, results from a T to C substitution at nucleotide position 1708. The tyrosine at codon 570 is replaced by histidine, an amino acid with similar properties. This amino acid position is conserved. In addition, this alteration is predicted to be tolerated by in silico analysis. Since supporting evidence is limited at this time, the clinical significance of this alteration remains unclear.